The following is an entry in ClinVar:

ClinVar aggregate classification (germline): Conflicting classifications of pathogenicity. Review status: criteria provided, conflicting classifications (1 of 4 stars). 4 submissions from 4 submitters: Likely pathogenic (1); Uncertain significance (3). Last evaluated 2024-10-02.

Conditions:
Familial thoracic aortic aneurysm and aortic dissection (TAAD). Also called: Thoracic aortic aneurysms and dissections. Identifiers: Orphanet 91387, MedGen C4707243, MONDO:0019625.
Marfan syndrome (MFS). Also called: Marfan syndrome, classic; Marfan syndrome type 1; Marfan's syndrome; FBN1-Related Marfan Syndrome; MARFAN SYNDROME, TYPE I. Identifiers: Orphanet 284963, Orphanet 558, MedGen C0024796, MONDO:0007947, OMIM 154700.

Submissions (4):

GeneDx
Classification: Likely pathogenic. Last evaluated: 2024-10-02. Review status: criteria provided, single submitter. Criteria: GeneDx Variant Classification Process June 2021. Collection method: clinical testing. Allele origin: germline. Affected: yes.
Comment: Has not been previously published as pathogenic or benign to our knowledge; Not observed at significant frequency in large population cohorts (gnomAD); Intronic variant directly or indirectly altering the +5 splice site in a gene for which loss of function is a known mechanism of disease, and splice predictors support a deleterious effect

Blueprint Genetics
Classification: Uncertain significance. Last evaluated: 2021-11-09. Review status: criteria provided, single submitter. Criteria: ACMG Guidelines, 2015. Collection method: clinical testing. Allele origin: germline.

Labcorp Genetics (formerly Invitae), Labcorp
Classification: Uncertain significance for Marfan syndrome; Familial thoracic aortic aneurysm and aortic dissection. Last evaluated: 2020-11-22. Review status: criteria provided, single submitter. Criteria: Invitae Variant Classification Sherloc (09022015). Collection method: clinical testing. Allele origin: germline.
Comment: This sequence change falls in intron 3 of the FBN1 gene. It does not directly change the encoded amino acid sequence of the FBN1 protein. It affects a nucleotide within the consensus splice site of the intron. This variant is not present in population databases (ExAC no frequency). This variant has not been reported in the literature in individuals with FBN1-related conditions. ClinVar contains an entry for this variant (Variation ID: 915624). Nucleotide substitutions within the consensus splice site are a relatively common cause of aberrant splicing (PMID: 17576681, 9536098). Algorithms developed to predict the effect of sequence changes on RNA splicing suggest that this variant may disrupt the consensus splice site, but this prediction has not been confirmed by published transcriptional studies. In summary, the available evidence is currently insufficient to determine the role of this variant in disease. Therefore, it has been classified as a Variant of Uncertain Significance.

CHEO Genetics Diagnostic Laboratory, Children's Hospital of Eastern Ontario
Classification: Uncertain significance for Familial thoracic aortic aneurysm and aortic dissection. Last evaluated: 2018-04-13. Review status: criteria provided, single submitter. Criteria: ACMG Guidelines, 2015. Collection method: clinical testing. Allele origin: germline.

Literature cited by the submitters: PubMed 17576681 (cited by Labcorp Genetics (formerly Invitae), Labcorp); PubMed 9536098 (cited by Labcorp Genetics (formerly Invitae), Labcorp).

NM_000138.5(FBN1):c.247+5G>A

Gene: FBN1 (fibrillin 1; minus strand). Cytogenetic location: 15q21.1.
Variant type: single nucleotide variant.
Coding change: c.247+5G>A on transcript NM_000138.5 (MANE Select); 5 bases into the intron after coding-DNA position 247, G replaced by A.
Molecular consequence: intron variant.
Genome position (GRCh38, 1-based): chr15:48,613,005, C>T on the plus strand (G>A on the coding strand, the complement: FBN1 is on the minus strand). VCF-style: chr15-48613005-C-T. GRCh37 (hg19) VCF-style: chr15-48905202-C-T.
Identifiers: ClinVar variation 915624 (VCV000915624.9), dbSNP rs2044668542, ClinGen allele CA1139663967.
Genomic context (GRCh38, chr15:48,613,005, plus strand): 5'-GCTCCCCATGCAACCAACACAACAAAAGAAGGACATGCAGAATGACAAGTTTTCTATTTA[C>T]TTACGGACAATACACTGATTTCCGCCAGGTAAGGTTTTCCATCCAGGGCAACAGTAAGCA-3'